The following is an entry in ClinVar:

NM_033380.3(COL4A5):c.1684G>A (p.Glu562Lys)

Gene: COL4A5 (collagen type IV alpha 5 chain; plus strand). Cytogenetic location: Xq22.3.
Variant type: single nucleotide variant.
Coding change: c.1684G>A on transcript NM_033380.3 (MANE Select); coding-DNA position 1684, G replaced by A.
Protein change: p.Glu562Lys; replaces glutamic acid 562 with lysine.
Molecular consequence: missense variant.
Genome position (GRCh38, 1-based): chrX:108,597,473, G>A. VCF-style: chrX-108597473-G-A. GRCh37 (hg19) VCF-style: chrX-107840703-G-A.
Other names: c.1684G>A, p.Glu562Lys (NM_000495.5); c.1684G>A (NM_000495.4); short protein forms E562K.
Identifiers: ClinVar variation 1089399 (VCV001089399.10), dbSNP rs149228661, ClinGen allele CA10488784.

ClinVar aggregate classification (germline): Likely benign. Review status: criteria provided, multiple submitters, no conflicts (2 of 4 stars). 2 submissions from 2 submitters: Likely benign (2). Last evaluated 2025-12-03.

Conditions:
COL4A5-related disorder. Also called: COL4A5-related condition.

Allele frequency attached by ClinVar (database versions not stated): gnomAD exomes 0.00001 and 0.00006; TOPMed 0.00017; ESP Exome Variant Server 0.00019; ExAC 0.00008; gnomAD 0.00014.
gnomAD v4.1: 30 of 1,208,363 alleles (0.0025%); highest among the groups gnomAD compares: African/African-American, 0.051%; no homozygotes.

Submissions (2):

Labcorp Genetics (formerly Invitae), Labcorp
Classification: Likely benign. Last evaluated: 2025-12-03. Review status: criteria provided, single submitter. Criteria: Invitae Variant Classification Sherloc (09022015). Collection method: clinical testing. Allele origin: germline.

PreventionGenetics, part of Exact Sciences
Classification: Likely benign for COL4A5-related condition. Last evaluated: 2025-08-24. Review status: criteria provided, single submitter. Criteria: ACMG Guidelines, 2015. Collection method: clinical testing. Allele origin: germline.
Comment: This variant is classified as likely benign based on ACMG/AMP sequence variant interpretation guidelines (Richards et al. 2015 PMID: 25741868, with internal and published modifications).